The following is an entry in ClinVar:

NM_001330723.2(SNX27):c.1247A>G (p.Asn416Ser)

Gene: SNX27 (sorting nexin 27; plus strand). Cytogenetic location: 1q21.3.
Variant type: single nucleotide variant.
Coding change: c.1247A>G on transcript NM_001330723.2 (MANE Select); coding-DNA position 1247, A replaced by G.
Protein change: p.Asn416Ser; replaces asparagine 416 with serine.
Molecular consequence: missense variant.
Genome position (GRCh38, 1-based): chr1:151,692,442, A>G. VCF-style: chr1-151692442-A-G. GRCh37 (hg19) VCF-style: chr1-151664918-A-G.
Other names: c.1247A>G, p.Asn416Ser (NM_030918.6); c.1247A>G (NM_030918.5); short protein forms N416S.
Identifiers: ClinVar variation 1387505 (VCV001387505.7), dbSNP rs372894841, ClinGen allele CA1093634.

ClinVar aggregate classification (germline): Uncertain significance. Review status: criteria provided, multiple submitters, no conflicts (2 of 4 stars). 2 submissions from 2 submitters: Uncertain significance (2). Last evaluated 2025-07-15.

Conditions:
Inborn genetic diseases. Identifiers: MedGen C0950123, MeSH D030342.
Severe myoclonic epilepsy in infancy (DRVT). Also called: DEVELOPMENTAL AND EPILEPTIC ENCEPHALOPATHY 6A; Severe Myoclonic Epilepsy in Infancy (SMEI); Dravet syndrome; Epileptic encephalopathy, early infantile, 6 (Dravet syndrome); SEVERE MYOCLONIC EPILEPSY OF INFANCY. Identifiers: Orphanet 33069, MedGen C0751122, MONDO:0100135, OMIM 607208.

Allele frequency attached by ClinVar (database versions not stated): gnomAD exomes below 0.00001 and 0.00001; ExAC 0.00002; gnomAD 0.00002; ESP Exome Variant Server 0.00008.
gnomAD v4.1: 5 of 1,491,018 alleles (0.00034%); highest among the groups gnomAD compares: Admixed American, 0.0025%; no homozygotes.

Submissions (2):

Ambry Genetics
Classification: Uncertain significance for Inborn genetic diseases. Last evaluated: 2025-07-15. Review status: criteria provided, single submitter. Criteria: Ambry Variant Classification Scheme 2023. Collection method: clinical testing. Allele origin: germline.

Labcorp Genetics (formerly Invitae), Labcorp
Classification: Uncertain significance for Severe myoclonic epilepsy in infancy. Last evaluated: 2022-10-17. Review status: criteria provided, single submitter. Criteria: Invitae Variant Classification Sherloc (09022015). Collection method: clinical testing. Allele origin: germline.
Comment: ClinVar contains an entry for this variant (Variation ID: 1387505). Algorithms developed to predict the effect of missense changes on protein structure and function (SIFT, PolyPhen-2, Align-GVGD) all suggest that this variant is likely to be tolerated. In summary, the available evidence is currently insufficient to determine the role of this variant in disease. Therefore, it has been classified as a Variant of Uncertain Significance. This variant has not been reported in the literature in individuals affected with SNX27-related conditions. This sequence change replaces asparagine, which is neutral and polar, with serine, which is neutral and polar, at codon 416 of the SNX27 protein (p.Asn416Ser). This variant is present in population databases (rs372894841, gnomAD 0.007%).